The following is an entry in ClinVar:

NM_001378454.1(ALMS1):c.5195C>T (p.Thr1732Ile)

Gene: ALMS1 (ALMS1 centrosome and basal body associated protein; plus strand). Cytogenetic location: 2p13.1.
Variant type: single nucleotide variant.
Coding change: c.5195C>T on transcript NM_001378454.1 (MANE Select); coding-DNA position 5195, C replaced by T.
Protein change: p.Thr1732Ile; replaces threonine 1732 with isoleucine.
Molecular consequence: missense variant.
Genome position (GRCh38, 1-based): chr2:73,451,722, C>T. VCF-style: chr2-73451722-C-T. GRCh37 (hg19) VCF-style: chr2-73678849-C-T.
Other names: c.5198C>T, p.Thr1733Ile (NM_015120.4); short protein forms T1732I, T1733I.
Identifiers: ClinVar variation 1314161 (VCV001314161.4), dbSNP rs2103785499, ClinGen allele CA347280338.

ClinVar aggregate classification (germline): Uncertain significance. Review status: criteria provided, multiple submitters, no conflicts (2 of 4 stars). 2 submissions from 2 submitters: Uncertain significance (2). Last evaluated 2021-03-01.

Conditions:
Cardiovascular phenotype. Identifiers: MedGen CN230736.

Allele frequency attached by ClinVar (database versions not stated): gnomAD exomes below 0.00001.
gnomAD v4.1: 1 of 1,613,988 alleles (0.000062%); highest among the groups gnomAD compares: Non-Finnish European, 0.000085%; no homozygotes.

Submissions (2):

GeneDx
Classification: Uncertain significance. Last evaluated: 2021-03-01. Review status: criteria provided, single submitter. Criteria: GeneDx Variant Classification Process June 2021. Collection method: clinical testing. Allele origin: germline. Affected: yes.
Comment: Not observed in large population cohorts (Lek et al., 2016); In silico analysis supports that this missense variant has a deleterious effect on protein structure/function; Has not been previously published as pathogenic or benign to our knowledge

Ambry Genetics
Classification: Uncertain significance for Cardiovascular phenotype. Last evaluated: 2019-05-20. Review status: criteria provided, single submitter. Criteria: Ambry Variant Classification Scheme 2023. Collection method: clinical testing. Allele origin: germline.
Comment: The p.T1733I variant (also known as c.5198C>T), located in coding exon 8 of the ALMS1 gene, results from a C to T substitution at nucleotide position 5198. The threonine at codon 1733 is replaced by isoleucine, an amino acid with similar properties. This amino acid position is not well conserved in available vertebrate species. In addition, this alteration is predicted to be tolerated by SIFT in silico analysis. Since supporting evidence is limited at this time, the clinical significance of this alteration remains unclear.